The following is an entry in ClinVar:

ClinVar aggregate classification (germline): Benign/Likely benign. Review status: criteria provided, multiple submitters, no conflicts (2 of 4 stars). 8 submissions from 7 submitters: Benign (4); Likely benign (3). 1 of the submissions does not count toward it. Last evaluated 2026-09-01.

Conditions:
Baraitser-winter syndrome 2. Identifiers: Orphanet 2995, MedGen C3281235, MONDO:0013812, OMIM 614583.
Autosomal dominant nonsyndromic hearing loss 20. Identifiers: Orphanet 90635, MedGen C1858172, MONDO:0011480, OMIM 604717.
ACTG1-related disorder. Also called: ACTG1-related condition; ACTG1-related disorders.

Allele frequency attached by ClinVar (database versions not stated): gnomAD 0.00005; TOPMed 0.00011; gnomAD exomes 0.00013 and 0.00028; 1000 Genomes Project 30x 0.00016; 1000 Genomes Project 0.00020; ExAC 0.00022.

Submissions (8):

CeGaT Center for Human Genetics Tuebingen
Classification: Likely benign. Last evaluated: 2026-09-01. Review status: criteria provided, single submitter. Criteria: CeGaT Center For Human Genetics Tuebingen Variant Classification Criteria Version 2. Collection method: clinical testing. Allele origin: germline. Affected: yes. Observed: 3 variant alleles.
Comment: ACTG1: BP4, BP7

Women's Health and Genetics/Laboratory Corporation of America, LabCorp
Classification: Likely benign. Last evaluated: 2026-06-19. Review status: criteria provided, single submitter. Criteria: LabCorp Variant Classification Summary - May 2015. Collection method: clinical testing. Allele origin: germline.

Labcorp Genetics (formerly Invitae), Labcorp
Classification: Benign for Baraitser-winter syndrome 2; Autosomal dominant nonsyndromic hearing loss 20. Last evaluated: 2025-12-21. Review status: criteria provided, single submitter. Criteria: Invitae Variant Classification Sherloc (09022015). Collection method: clinical testing. Allele origin: germline.

Blueprint Genetics
Classification: Likely benign. Last evaluated: 2023-02-14. Review status: criteria provided, single submitter. Criteria: ACMG Guidelines, 2015. Collection method: clinical testing. Allele origin: germline.

Genome-Nilou Lab
Classification: Benign for Baraitser-winter syndrome 2. Last evaluated: 2021-12-05. Review status: criteria provided, single submitter. Criteria: ACMG Guidelines, 2015. Collection method: clinical testing. Allele origin: germline. Affected: no.

Genome-Nilou Lab
Classification: Benign for Autosomal dominant nonsyndromic hearing loss 20. Last evaluated: 2021-12-05. Review status: criteria provided, single submitter. Criteria: ACMG Guidelines, 2015. Collection method: clinical testing. Allele origin: germline. Affected: no.

GeneDx
Classification: Benign. Last evaluated: 2020-02-18. Review status: criteria provided, single submitter. Criteria: GeneDx Variant Classification Process June 2021. Collection method: clinical testing. Allele origin: germline. Affected: yes.

PreventionGenetics, part of Exact Sciences
Classification: Likely benign for ACTG1-related condition. Last evaluated: 2021-05-04. Review status: no assertion criteria provided. Collection method: clinical testing. Allele origin: germline. Not counted in ClinVar's aggregate classification.
Comment: This variant is classified as likely benign based on ACMG/AMP sequence variant interpretation guidelines (Richards et al. 2015 PMID: 25741868, with internal and published modifications).

NM_001614.5(ACTG1):c.735C>T (p.Gly245=)

Gene: ACTG1 (actin gamma 1; minus strand). Cytogenetic location: 17q25.3.
Variant type: single nucleotide variant.
Coding change: c.735C>T on transcript NM_001614.5 (MANE Select); coding-DNA position 735, C replaced by T.
Protein change: p.Gly245=; no amino-acid change (glycine 245 retained).
Molecular consequence: synonymous variant. On other transcripts: non-coding transcript variant (1).
Genome position (GRCh38, 1-based): chr17:81,511,255, G>A on the plus strand (C>T on the coding strand, the complement: ACTG1 is on the minus strand). VCF-style: chr17-81511255-G-A. GRCh37 (hg19) VCF-style: chr17-79478281-G-A.
Other names: c.735C>T, p.Gly245= (NM_001199954.3).
Identifiers: ClinVar variation 382912 (VCV000382912.19), dbSNP rs186289501, ClinGen allele CA8836005.
Genomic context (GRCh38, chr17:81,511,255, plus strand): 5'-GGAAGGCTGGAACAGCGCCTCCGGACACCGGAACCGCTCATTGCCAATGGTGATGACCTG[G>A]CCATCGGGCAGCTCGTAGCTCTTCTCCAGAGAAGAGGAGGATGCGGCGGTGGCCATCTCC-3'
Protein context (NP_001605.1, residues 235-255): SLEKSYELPD[Gly245=]QVITIGNERF